The following is an entry in ClinVar:

NM_001875.5(CPS1):c.237-2A>G

Gene: CPS1 (carbamoyl-phosphate synthase 1; plus strand). Cytogenetic location: 2q34.
Variant type: single nucleotide variant.
Coding change: c.237-2A>G on transcript NM_001875.5 (MANE Select); the canonical splice acceptor site of the intron before coding-DNA position 237, A replaced by G.
Molecular consequence: splice acceptor variant.
Genome position (GRCh38, 1-based): chr2:210,576,344, A>G. VCF-style: chr2-210576344-A-G. GRCh37 (hg19) VCF-style: chr2-211441068-A-G.
Other names: c.237-2A>G (NM_001369257.1, NM_001122633.3); c.270-2A>G (NM_001369256.1).
Identifiers: ClinVar variation 4814954 (VCV004814954.1).

ClinVar aggregate classification (germline): Likely pathogenic (1 of 4 stars; one submission).

Conditions:
Congenital hyperammonemia, type I. Also called: Carbamoyl phosphate synthetase I deficiency disease; CPS I DEFICIENCY; Carbamoyl phosphate synthetase 1 deficiency; Hyperammonemia due to carbamoyl phosphate synthetase 1 deficiency; CPS 1 deficiency; Carbamyl phosphate synthetase (CPS) deficiency. Identifiers: Orphanet 147, MedGen C4082171, MONDO:0009376, OMIM 237300.

Submission:

Natera, Inc.
Classification: Likely pathogenic for Carbamoyl-phosphate synthase I deficiency. Last evaluated: 2024-07-25. Review status: criteria provided, single submitter. Criteria: Natera Variant Classification Schema (03/2026). Collection method: clinical testing. Allele origin: germline.
Comment: The c.237-2A>G variant in CPS1 is a canonical splice acceptor site variant predicted to affect pre-mRNA splicing, which may result in an abnormal transcript and altered protein product. This variant is expected to result in nonsense mediated decay, truncation, or a dysfunctional protein product. This variant is rare in the general population with a frequency below the threshold expected for the associated phenotype(s). Given the available evidence, this variant is classified as Likely Pathogenic.